The following is an entry in ClinVar:

NM_006648.4(WNK2):c.6626C>T (p.Pro2209Leu)

Gene: WNK2 (WNK lysine deficient protein kinase 2; plus strand). Cytogenetic location: 9q22.31.
Variant type: single nucleotide variant.
Coding change: c.6626C>T on transcript NM_006648.4 (MANE Select); coding-DNA position 6626, C replaced by T.
Protein change: p.Pro2209Leu; replaces proline 2209 with leucine.
Molecular consequence: missense variant.
Genome position (GRCh38, 1-based): chr9:93,317,629, C>T. VCF-style: chr9-93317629-C-T. GRCh37 (hg19) VCF-style: chr9-96079911-C-T.
Other names: c.6737C>T, p.Pro2246Leu (NM_001282394.3); short protein forms P2209L, P2246L.
Identifiers: ClinVar variation 3470687 (VCV003470687.1).
Genomic context (GRCh38, chr9:93,317,629, plus strand): 5'-CCGGCCCTCTGTCCACCACGGTCATTCCCGGAGCCGCCCCGACCCTGTCCGTGCCCACAC[C>T]AGGTACTGCCCTCTCCAACCTCCCAACCCCACCCTGTGCGCTGCCTCTGGGTCAGTACAG-3'
Protein context (NP_006639.3, residues 2199-2217): GAAPTLSVPT[Pro2209Leu]DPESEKPD

ClinVar aggregate classification (germline): Uncertain significance (1 of 4 stars; one submission).

gnomAD v4.1: 9 of 1,612,630 alleles (0.00056%); highest among the groups gnomAD compares: South Asian, 0.0011%; no homozygotes.

Submission:

Ambry Genetics
Classification: Uncertain significance. Last evaluated: 2024-12-09. Review status: criteria provided, single submitter. Criteria: Ambry Variant Classification Scheme 2023. Collection method: clinical testing. Allele origin: germline.
Comment: The p.P2209L variant (also known as c.6626C>T), located in coding exon 28 of the WNK2 gene, results from a C to T substitution at nucleotide position 6626. The proline at codon 2209 is replaced by leucine, an amino acid with similar properties. This amino acid position is conserved. In addition, the in silico prediction for this alteration is inconclusive. Based on the available evidence, the clinical significance of this variant remains unclear.